The following is an entry in ClinVar:

NM_182961.4(SYNE1):c.25888G>T (p.Glu8630Ter)

Gene: SYNE1 (spectrin repeat containing nuclear envelope protein 1; minus strand). Cytogenetic location: 6q25.2.
Variant type: single nucleotide variant.
Coding change: c.25888G>T on transcript NM_182961.4 (MANE Select); coding-DNA position 25888, G replaced by T.
Protein change: p.Glu8630Ter; replaces glutamic acid 8630 with a stop codon.
Molecular consequence: nonsense.
Genome position (GRCh38, 1-based): chr6:152,133,389, C>A on the plus strand (G>T on the coding strand, the complement: SYNE1 is on the minus strand). VCF-style: chr6-152133389-C-A. GRCh37 (hg19) VCF-style: chr6-152454524-C-A.
Other names: c.2494G>T, p.Glu832Ter (NM_001347701.2); c.2422G>T, p.Glu808Ter (NM_001347702.2); c.25744G>T, p.Glu8582Ter (NM_033071.5); short protein forms E808*, E832*, E8582*, E8630*.
Identifiers: ClinVar variation 3759562 (VCV003759562.2).

ClinVar aggregate classification (germline): Pathogenic (1 of 4 stars; one submission).

Conditions:
Emery-Dreifuss muscular dystrophy 4, autosomal dominant (EDMD4). Also called: EMERY-DREIFUSS MUSCULAR DYSTROPHY 4 WITH VARIABLE FEATURES. Identifiers: Orphanet 261, MedGen C2751807, MONDO:0013071, OMIM 612998.
Autosomal recessive ataxia, Beauce type. Also called: Spinocerebellar ataxia, autosomal recessive 8; ATAXIA, RECESSIVE, OF BEAUCE; SYNE1-Related Autosomal Recessive Cerebellar Ataxia; SYNE1 Deficiency. Identifiers: Orphanet 88644, MedGen C1853116, MONDO:0012549, OMIM 610743.

gnomAD v4.1: 2 of 1,614,056 alleles (0.00012%); highest among the groups gnomAD compares: Non-Finnish European, 0.00017%; no homozygotes.

Submission:

Labcorp Genetics (formerly Invitae), Labcorp
Classification: Pathogenic for Emery-Dreifuss muscular dystrophy 4, autosomal dominant; Autosomal recessive ataxia, Beauce type. Last evaluated: 2024-10-23. Review status: criteria provided, single submitter. Criteria: Invitae Variant Classification Sherloc (09022015). Collection method: clinical testing. Allele origin: germline.
Comment: This sequence change creates a premature translational stop signal (p.Glu8582*) in the SYNE1 gene. It is expected to result in an absent or disrupted protein product. Loss-of-function variants in SYNE1 are known to be pathogenic (PMID: 19542096, 24319099, 27086870). The frequency data for this variant in the population databases is considered unreliable, as metrics indicate poor data quality at this position in the gnomAD database. This variant has not been reported in the literature in individuals affected with SYNE1-related conditions. For these reasons, this variant has been classified as Pathogenic.

Literature cited by the submitters: PubMed 19542096; PubMed 24319099; PubMed 27086870.